The following is an entry in ClinVar:

ClinVar aggregate classification (germline): Uncertain significance (1 of 4 stars; one submission).

Conditions:
Hereditary cancer-predisposing syndrome. Also called: Hereditary neoplastic syndrome; Neoplastic Syndromes, Hereditary; Tumor predisposition; Hereditary Cancer Syndrome. Identifiers: Orphanet 140162, MedGen C0027672, MeSH D009386, MONDO:0015356.

Submission:

Ambry Genetics
Classification: Uncertain significance for Hereditary cancer-predisposing syndrome. Last evaluated: 2025-03-03. Review status: criteria provided, single submitter. Criteria: Ambry Variant Classification Scheme 2023. Collection method: clinical testing. Allele origin: germline.
Comment: The p.L573P variant (also known as c.1718T>C), located in coding exon 13 of the BAP1 gene, results from a T to C substitution at nucleotide position 1718. The leucine at codon 573 is replaced by proline, an amino acid with similar properties. This amino acid position is conserved. In addition, the in silico prediction for this alteration is inconclusive. Based on the available evidence, the clinical significance of this variant remains unclear.

NM_004656.4(BAP1):c.1718T>C (p.Leu573Pro)

Gene: BAP1 (BRCA1 associated deubiquitinase 1; minus strand). Cytogenetic location: 3p21.1.
Variant type: single nucleotide variant.
Coding change: c.1718T>C on transcript NM_004656.4 (MANE Select); coding-DNA position 1718, T replaced by C.
Protein change: p.Leu573Pro; replaces leucine 573 with proline.
Molecular consequence: missense variant.
Genome position (GRCh38, 1-based): chr3:52,403,427, A>G on the plus strand (T>C on the coding strand, the complement: BAP1 is on the minus strand). VCF-style: chr3-52403427-A-G. GRCh37 (hg19) VCF-style: chr3-52437443-A-G.
Other names: c.1664T>C, p.Leu555Pro (NM_001410772.1); short protein forms L555P, L573P.
Identifiers: ClinVar variation 3819330 (VCV003819330.1).